The following is an entry in ClinVar:

NM_001385641.1(SAMD11):c.934A>T (p.Arg312Ter)

Gene: SAMD11 (sterile alpha motif domain containing 11; plus strand). Cytogenetic location: 1p36.33.
Variant type: single nucleotide variant.
Coding change: c.934A>T on transcript NM_001385641.1 (MANE Select); coding-DNA position 934, A replaced by T.
Protein change: p.Arg312Ter; replaces arginine 312 with a stop codon.
Molecular consequence: nonsense.
Genome position (GRCh38, 1-based): chr1:935,863, A>T. VCF-style: chr1-935863-A-T. GRCh37 (hg19) VCF-style: chr1-871243-A-T.
Other names: c.934A>T, p.Arg312Ter (NM_001385640.1); c.397A>T, p.Arg133Ter (NM_152486.4); short protein forms R133*, R312*.
Identifiers: ClinVar variation 1974746 (VCV001974746.5), dbSNP rs1424123815, ClinGen allele CA337797774.

ClinVar aggregate classification (germline): Uncertain significance (1 of 4 stars; one submission).

Allele frequency attached by ClinVar (database versions not stated): gnomAD exomes below 0.00001.
gnomAD v4.1: 1 of 1,613,032 alleles (0.000062%); highest among the groups gnomAD compares: Non-Finnish European, 0.000085%; no homozygotes.

Submission:

Labcorp Genetics (formerly Invitae), Labcorp
Classification: Uncertain significance. Last evaluated: 2021-12-02. Review status: criteria provided, single submitter. Criteria: Invitae Variant Classification Sherloc (09022015). Collection method: clinical testing. Allele origin: germline.
Comment: Algorithms developed to predict the effect of sequence changes on RNA splicing suggest that this variant may create or strengthen a splice site. This variant has not been reported in the literature in individuals affected with SAMD11-related conditions. This variant is present in population databases (no rsID available, gnomAD 0.0009%). This sequence change creates a premature translational stop signal (p.Arg133*) in the SAMD11 gene. It is expected to result in an absent or disrupted protein product. However, the current clinical and genetic evidence is not sufficient to establish whether loss-of-function variants in SAMD11 cause disease. In summary, the available evidence is currently insufficient to determine the role of this variant in disease. Therefore, it has been classified as a Variant of Uncertain Significance.